The following is an entry in ClinVar:

ClinVar aggregate classification (germline): Uncertain significance (1 of 4 stars; one submission).

Conditions:
Cardiomyopathy (CMYO). Also called: Cardiomyopathies. Identifiers: Orphanet 167848, MedGen C0878544, MONDO:0004994, HP:0001638. Inheritance: Various modes of inheritance.

Submission:

Color Diagnostics, LLC DBA Color Health
Classification: Uncertain significance for Cardiomyopathy. Last evaluated: 2025-09-15. Review status: criteria provided, single submitter. Criteria: ACMG Guidelines, 2015. Collection method: clinical testing. Allele origin: germline.
Comment: This missense variant replaces serine with cysteine at codon 887 of the MYBPC3 protein. Computational prediction suggests that this variant may not impact protein structure and function. To our knowledge, functional studies have not been reported for this variant. This variant has been reported in an individual affected with hypertrophic cardiomyopathy (PMID: 33495597) and in an individual affected with dilated cardiomyopathy (PMID: 31729605). This variant has not been identified in the general population by the Genome Aggregation Database (gnomAD). The available evidence is insufficient to determine the role of this variant in disease conclusively. Therefore, this variant is classified as a Variant of Uncertain Significance.

Literature cited by the submitters: PubMed 31729605; PubMed 33495597.

NM_000256.3(MYBPC3):c.2660C>G (p.Ser887Cys)

Gene: MYBPC3 (myosin binding protein C3; minus strand). Cytogenetic location: 11p11.2.
Variant type: single nucleotide variant.
Coding change: c.2660C>G on transcript NM_000256.3 (MANE Select); coding-DNA position 2660, C replaced by G.
Protein change: p.Ser887Cys; replaces serine 887 with cysteine.
Molecular consequence: missense variant.
Genome position (GRCh38, 1-based): chr11:47,335,954, G>C on the plus strand (C>G on the coding strand, the complement: MYBPC3 is on the minus strand). VCF-style: chr11-47335954-G-C. GRCh37 (hg19) VCF-style: chr11-47357505-G-C.
Other names: short protein forms S887C.
Identifiers: ClinVar variation 4756322 (VCV004756322.1).